The following is an entry in ClinVar:

NM_001191061.2(SLC25A22):c.20+5G>C

Gene: SLC25A22 (solute carrier family 25 member 22; minus strand). Cytogenetic location: 11p15.5.
Variant type: single nucleotide variant.
Coding change: c.20+5G>C on transcript NM_001191061.2 (MANE Select); 5 bases into the intron after coding-DNA position 20, G replaced by C.
Molecular consequence: intron variant.
Genome position (GRCh38, 1-based): chr11:794,982, C>G on the plus strand (G>C on the coding strand, the complement: SLC25A22 is on the minus strand). VCF-style: chr11-794982-C-G. GRCh37 (hg19) VCF-style: chr11-794982-C-G.
Other names: c.20+5G>C (NM_001425339.1, NM_001425341.1, NM_001425340.1 and 9 more transcripts); c.-304+5G>C (NM_001425344.1).
Identifiers: ClinVar variation 3663430 (VCV003663430.2).

ClinVar aggregate classification (germline): Uncertain significance (1 of 4 stars; one submission).

Conditions:
Early-infantile DEE. Also called: Ohtahara syndrome; Early infantile epileptic encephalopathy; Early infantile epileptic encephalopathy with suppression bursts. Identifiers: Orphanet 1934, MedGen C0393706, MONDO:0800491.

Submission:

Labcorp Genetics (formerly Invitae), Labcorp
Classification: Uncertain significance for Early-infantile DEE. Last evaluated: 2024-10-02. Review status: criteria provided, single submitter. Criteria: Invitae Variant Classification Sherloc (09022015). Collection method: clinical testing. Allele origin: germline.
Comment: This sequence change falls in intron 2 of the SLC25A22 gene. It does not directly change the encoded amino acid sequence of the SLC25A22 protein. It affects a nucleotide within the consensus splice site. This variant is not present in population databases (gnomAD no frequency). This variant has not been reported in the literature in individuals affected with SLC25A22-related conditions. Variants that disrupt the consensus splice site are a relatively common cause of aberrant splicing (PMID: 17576681, 9536098). Algorithms developed to predict the effect of sequence changes on RNA splicing suggest that this variant may disrupt the consensus splice site. In summary, the available evidence is currently insufficient to determine the role of this variant in disease. Therefore, it has been classified as a Variant of Uncertain Significance.

Literature cited by the submitters: PubMed 17576681; PubMed 9536098.